The following is an entry in ClinVar:

ClinVar aggregate classification (germline): Uncertain significance. Review status: criteria provided, single submitter (1 of 4 stars). 2 submissions from 2 submitters: Uncertain significance (1). 1 of the submissions does not count toward it. Last evaluated 2025-01-13.

Conditions:
Mitochondrial DNA depletion syndrome 1. Also called: Mitochondrial neurogastrointestinal encephalomyopathy syndrome; Mitochondrial DNA Depletion Syndrome, MNGIE Form; Mitochondrial DNA depletion syndrome 1 (MNGIE type); Mitochondrial Neurogastrointestinal Encephalopathy Disease; MITOCHONDRIAL NEUROGASTROINTESTINAL ENCEPHALOPATHY SYNDROME, TYMP-RELATED; MNGIE, TYMP-RELATED. Identifiers: Orphanet 298, MedGen C4551995, MONDO:0011283, OMIM 603041.

Submissions (2):

Women's Health and Genetics/Laboratory Corporation of America, LabCorp
Classification: Uncertain significance. Last evaluated: 2025-01-13. Review status: criteria provided, single submitter. Criteria: LabCorp Variant Classification Summary - May 2015. Collection method: clinical testing. Allele origin: germline.
Comment: Variant summary: TYMP c.715G>A (p.Ala239Thr) results in a non-conservative amino acid change in the encoded protein sequence. Five of five in-silico tools predict a damaging effect of the variant on protein function. The variant was absent in 250488 control chromosomes. The available data on variant occurrences in the general population are insufficient to allow any conclusion about variant significance. c.715G>A has been reported in the literature in individuals affected with Mitochondrial DNA Depletion Syndrome 1 (MNGIE type) (Garone_2011). These report(s) do not provide unequivocal conclusions about association of the variant with Mitochondrial DNA Depletion Syndrome 1 (MNGIE type). To our knowledge, no experimental evidence demonstrating an impact on protein function has been reported. The following publication have been ascertained in the context of this evaluation (PMID: 21933806). ClinVar contains an entry for this variant (Variation ID: 223039). Based on the evidence outlined above, the variant was classified as uncertain significance.

GeneReviews
Classification: Pathogenic for Mitochondrial DNA depletion syndrome 1. Last evaluated: 2016-01-14. Review status: no assertion criteria provided. Collection method: literature only. Allele origin: germline. Affected: yes. Not counted in ClinVar's aggregate classification.

Literature cited by the submitters: PubMed 21933806 (cited by Women's Health and Genetics/Laboratory Corporation of America, LabCorp and GeneReviews).

NM_001953.5(TYMP):c.715G>A (p.Ala239Thr)

Gene: TYMP (thymidine phosphorylase; minus strand). Cytogenetic location: 22q13.33.
Variant type: single nucleotide variant.
Coding change: c.715G>A on transcript NM_001953.5 (MANE Select); coding-DNA position 715, G replaced by A.
Protein change: p.Ala239Thr; replaces alanine 239 with threonine.
Molecular consequence: missense variant.
Genome position (GRCh38, 1-based): chr22:50,527,215, C>T on the plus strand (G>A on the coding strand, the complement: TYMP is on the minus strand). VCF-style: chr22-50527215-C-T. GRCh37 (hg19) VCF-style: chr22-50965644-C-T.
Other names: Ala>Thr; c.715G>A, p.Ala239Thr (LRG_727t1, LRG_727t2, NM_001113755.3 and 3 more transcripts); short protein forms A239T.
Identifiers: ClinVar variation 223039 (VCV000223039.3), dbSNP rs1064792869, ClinGen allele CA16616785.